The following is an entry in ClinVar:

NM_000530.8(MPZ):c.271G>A (p.Glu91Lys)

Gene: MPZ (myelin protein zero; minus strand). Cytogenetic location: 1q23.3.
Variant type: single nucleotide variant.
Coding change: c.271G>A on transcript NM_000530.8 (MANE Select); coding-DNA position 271, G replaced by A.
Protein change: p.Glu91Lys; replaces glutamic acid 91 with lysine.
Molecular consequence: missense variant.
Genome position (GRCh38, 1-based): chr1:161,306,885, C>T on the plus strand (G>A on the coding strand, the complement: MPZ is on the minus strand). VCF-style: chr1-161306885-C-T. GRCh37 (hg19) VCF-style: chr1-161276675-C-T.
Other names: c.271G>A (LRG_256t1); c.271G>A, p.Glu91Lys (NM_001315491.2); short protein forms E91K.
Identifiers: ClinVar variation 580756 (VCV000580756.13), dbSNP rs1383238492, ClinGen allele CA343349780.

ClinVar aggregate classification (germline): Conflicting classifications of pathogenicity. Review status: criteria provided, conflicting classifications (1 of 4 stars). 3 submissions from 3 submitters: Uncertain significance (2); Likely benign (1). Last evaluated 2023-10-17.

Conditions:
Charcot-Marie-Tooth disease. Also called: Charcot-Marie-Tooth Neuropathy; Charcot-Marie-Tooth Hereditary Neuropathy. Identifiers: Orphanet 166, MedGen C0007959, MONDO:0015626.
Charcot-Marie-Tooth disease, type I (CMT1). Also called: Charcot-Marie-Tooth disease type 1; Charcot-Marie-Tooth, Type 1. Identifiers: Orphanet 65753, MedGen C0751036, MONDO:0019011.

Allele frequency attached by ClinVar (database versions not stated): TOPMed below 0.00001; gnomAD exomes 0.00001.
gnomAD v4.1: 10 of 1,613,654 alleles (0.00062%); highest among the groups gnomAD compares: Non-Finnish European, 0.00085%; no homozygotes.

Submissions (3):

Labcorp Genetics (formerly Invitae), Labcorp
Classification: Likely benign for Charcot-Marie-Tooth disease, type I. Last evaluated: 2023-10-17. Review status: criteria provided, single submitter. Criteria: Invitae Variant Classification Sherloc (09022015). Collection method: clinical testing. Allele origin: germline.

GeneDx
Classification: Uncertain significance. Last evaluated: 2019-05-13. Review status: criteria provided, single submitter. Criteria: GeneDx Variant Classification Process June 2021. Collection method: clinical testing. Allele origin: germline. Affected: yes.
Comment: Not observed in large population cohorts (Lek et al., 2016); Missense variants in this gene are often considered pathogenic (Stenson et al., 2014); In silico analysis, which includes protein predictors and evolutionary conservation, supports that this variant does not alter protein structure/function; Has not been previously published as pathogenic or benign to our knowledge; This variant is associated with the following publications: (PMID: 32376792)

Molecular Genetics Laboratory, London Health Sciences Centre
Classification: Uncertain significance for Charcot-Marie-Tooth disease. Review status: criteria provided, single submitter. Criteria: ACMG Guidelines, 2015. Collection method: clinical testing. Allele origin: germline. Affected: yes.